The following is an entry in ClinVar:

NM_001206999.2(CIT):c.4160C>T (p.Thr1387Ile)

Gene: CIT (citron rho-interacting serine/threonine kinase; minus strand). Cytogenetic location: 12q24.23.
Variant type: single nucleotide variant.
Coding change: c.4160C>T on transcript NM_001206999.2 (MANE Select); coding-DNA position 4160, C replaced by T.
Protein change: p.Thr1387Ile; replaces threonine 1387 with isoleucine.
Molecular consequence: missense variant.
Genome position (GRCh38, 1-based): chr12:119,718,253, G>A on the plus strand (C>T on the coding strand, the complement: CIT is on the minus strand). VCF-style: chr12-119718253-G-A. GRCh37 (hg19) VCF-style: chr12-120156058-G-A.
Other names: c.4034C>T, p.Thr1345Ile (NM_007174.3); short protein forms T1345I, T1387I.
Identifiers: ClinVar variation 1713572 (VCV001713572.5), dbSNP rs2501224607, ClinGen allele CA386546199.

ClinVar aggregate classification (germline): Uncertain significance (1 of 4 stars; one submission).

Submission:

Labcorp Genetics (formerly Invitae), Labcorp
Classification: Uncertain significance. Last evaluated: 2022-07-23. Review status: criteria provided, single submitter. Criteria: Invitae Variant Classification Sherloc (09022015). Collection method: clinical testing. Allele origin: germline.
Comment: In summary, the available evidence is currently insufficient to determine the role of this variant in disease. Therefore, it has been classified as a Variant of Uncertain Significance. Algorithms developed to predict the effect of missense changes on protein structure and function are either unavailable or do not agree on the potential impact of this missense change (SIFT: "Deleterious"; PolyPhen-2: "Possibly Damaging"; Align-GVGD: "Class C15"). This variant has not been reported in the literature in individuals affected with CIT-related conditions. This variant is not present in population databases (gnomAD no frequency). This sequence change replaces threonine, which is neutral and polar, with isoleucine, which is neutral and non-polar, at codon 1387 of the CIT protein (p.Thr1387Ile).